The following is an entry in ClinVar:

ClinVar aggregate classification (germline): Likely benign. Review status: criteria provided, multiple submitters, no conflicts (2 of 4 stars). 2 submissions from 2 submitters: Likely benign (2). Last evaluated 2025-09-16.

Conditions:
Cortical dysplasia-focal epilepsy syndrome (PTHSL1). Also called: Pitt-Hopkins-like syndrome 1. Identifiers: Orphanet 163681, Orphanet 221150, MedGen C2750246, MONDO:0012400, OMIM 610042.

Allele frequency attached by ClinVar (database versions not stated): gnomAD exomes below 0.00001.
gnomAD v4.1: 4 of 1,614,052 alleles (0.00025%); highest among the groups gnomAD compares: Non-Finnish European, 0.00034%; no homozygotes.

Submissions (2):

Labcorp Genetics (formerly Invitae), Labcorp
Classification: Likely benign for Cortical dysplasia-focal epilepsy syndrome. Last evaluated: 2025-09-16. Review status: criteria provided, single submitter. Criteria: Invitae Variant Classification Sherloc (09022015). Collection method: clinical testing. Allele origin: germline.

GeneDx
Classification: Likely benign. Last evaluated: 2018-03-08. Review status: criteria provided, single submitter. Criteria: GeneDx Variant Classification (06012015). Collection method: clinical testing. Allele origin: germline. Affected: yes.
Comment: This variant is considered likely benign or benign based on one or more of the following criteria: it is a conservative change, it occurs at a poorly conserved position in the protein, it is predicted to be benign by multiple in silico algorithms, and/or has population frequency not consistent with disease.

NM_014141.6(CNTNAP2):c.966T>C (p.Ser322=)

Gene: CNTNAP2 (contactin associated protein 2; plus strand). Cytogenetic location: 7q35.
Variant type: single nucleotide variant.
Coding change: c.966T>C on transcript NM_014141.6 (MANE Select); coding-DNA position 966, T replaced by C.
Protein change: p.Ser322=; no amino-acid change (serine 322 retained).
Molecular consequence: synonymous variant.
Genome position (GRCh38, 1-based): chr7:147,128,719, T>C. VCF-style: chr7-147128719-T-C. GRCh37 (hg19) VCF-style: chr7-146825811-T-C.
Identifiers: ClinVar variation 516525 (VCV000516525.10), dbSNP rs954835249, ClinGen allele CA168690433.